The following is an entry in ClinVar:

NM_000428.3(LTBP2):c.2119A>C (p.Ser707Arg)

Gene: LTBP2 (latent transforming growth factor beta binding protein 2; minus strand). Cytogenetic location: 14q24.3.
Variant type: single nucleotide variant.
Coding change: c.2119A>C on transcript NM_000428.3 (MANE Select); coding-DNA position 2119, A replaced by C.
Protein change: p.Ser707Arg; replaces serine 707 with arginine.
Molecular consequence: missense variant.
Genome position (GRCh38, 1-based): chr14:74,528,991, T>G on the plus strand (A>C on the coding strand, the complement: LTBP2 is on the minus strand). VCF-style: chr14-74528991-T-G. GRCh37 (hg19) VCF-style: chr14-74995694-T-G.
Other names: short protein forms S707R.
Identifiers: ClinVar variation 1484824 (VCV001484824.9), dbSNP rs145201197, ClinGen allele CA7269644.
Genomic context (GRCh38, chr14:74,528,991, plus strand): 5'-AAAGCTGGGATGGGAACAGGAGGTTACCTGTGCCAGGCAGAGGGCATTTCTCACACTCGC[T>G]GCCCCATGCTTTGCCCACGCGGCTGCAGCAGCATATCTGCTTGGTGATCCGCTGGGCCAA-3'
Protein context (NP_000419.1, residues 697-717): CCSRVGKAWG[Ser707Arg]ECEKCPLPGT

ClinVar aggregate classification (germline): Conflicting classifications of pathogenicity. Review status: criteria provided, conflicting classifications (1 of 4 stars). 2 submissions from 2 submitters: Uncertain significance (1); Likely benign (1). Last evaluated 2025-01-06.

Allele frequency attached by ClinVar (database versions not stated): gnomAD exomes 0.00002; ExAC 0.00003; TOPMed 0.00003; gnomAD 0.00004 and 0.00005; 1000 Genomes Project 30x 0.00031; 1000 Genomes Project 0.00040.
gnomAD v4.1: 40 of 1,609,806 alleles (0.0025%); highest among the groups gnomAD compares: Middle Eastern, 0.083%; no homozygotes.

Submissions (2):

Labcorp Genetics (formerly Invitae), Labcorp
Classification: Likely benign. Last evaluated: 2025-01-06. Review status: criteria provided, single submitter. Criteria: Invitae Variant Classification Sherloc (09022015). Collection method: clinical testing. Allele origin: germline.

GeneDx
Classification: Uncertain significance. Last evaluated: 2022-06-01. Review status: criteria provided, single submitter. Criteria: GeneDx Variant Classification Process June 2021. Collection method: clinical testing. Allele origin: germline. Affected: yes.
Comment: In silico analysis supports that this missense variant does not alter protein structure/function; Has not been previously published as pathogenic or benign to our knowledge